The following is an entry in ClinVar:

ClinVar aggregate classification (germline): Uncertain significance (1 of 4 stars; one submission).

Submission:

GeneDx
Classification: Uncertain significance. Last evaluated: 2023-12-02. Review status: criteria provided, single submitter. Criteria: GeneDx Variant Classification Process June 2021. Collection method: clinical testing. Allele origin: germline. Affected: yes.
Comment: Not observed at significant frequency in large population cohorts (gnomAD); In silico analysis supports that this missense variant does not alter protein structure/function; Has not been previously published as pathogenic or benign to our knowledge

NM_001260.3(CDK8):c.366G>C (p.Gln122His)

Gene: CDK8 (cyclin dependent kinase 8; plus strand). Cytogenetic location: 13q12.13.
Variant type: single nucleotide variant.
Coding change: c.366G>C on transcript NM_001260.3 (MANE Select); coding-DNA position 366, G replaced by C.
Protein change: p.Gln122His; replaces glutamine 122 with histidine.
Molecular consequence: missense variant. On other transcripts: 5 prime UTR variant (1).
Genome position (GRCh38, 1-based): chr13:26,353,790, G>C. VCF-style: chr13-26353790-G-C. GRCh37 (hg19) VCF-style: chr13-26927927-G-C.
Other names: c.366G>C, p.Gln122His (NM_001318368.2); c.-96G>C (NM_001346501.2); short protein forms Q122H.
Identifiers: ClinVar variation 3365242 (VCV003365242.1).
Genomic context (GRCh38, chr13:26,353,790, plus strand): 5'-TTTCTTTCAGCATATAATCAAGTTTCACAGAGCTTCTAAAGCAAACAAGAAGCCAGTTCA[G>C]TTACCTCGGGGAATGGTGAAGTCACTATTATATCAGATCCTAGATGGTATTCACTACCTG-3'
Protein context (NP_001251.1, residues 112-132): RASKANKKPV[Gln122His]LPRGMVKSLL